The following is an entry in ClinVar:

ClinVar aggregate classification (germline): Uncertain significance (1 of 4 stars; one submission).

Submission:

Women's Health and Genetics/Laboratory Corporation of America, LabCorp
Classification: Uncertain significance. Last evaluated: 2024-06-18. Review status: criteria provided, single submitter. Criteria: LabCorp Variant Classification Summary - May 2015. Collection method: clinical testing. Allele origin: germline.
Comment: Variant summary: USH2A c.5522G>C (p.Gly1841Ala) results in a non-conservative amino acid change located in the Laminin G domain (IPR001791) of the encoded protein sequence. Five of five in-silico tools predict a damaging effect of the variant on protein function. The variant was absent in 250682 control chromosomes. The available data on variant occurrences in the general population are insufficient to allow any conclusion about variant significance. To our knowledge, no occurrence of c.5522G>C in individuals affected with Usher Syndrome and no experimental evidence demonstrating its impact on protein function have been reported. No submitters have cited clinical-significance assessments for this variant to ClinVar. Based on the evidence outlined above, the variant was classified as uncertain significance.

NM_206933.4(USH2A):c.5522G>C (p.Gly1841Ala)

Genes: USH2A (usherin; minus strand), USH2A-AS2 (USH2A antisense RNA 2; plus strand). Cytogenetic location: 1q41.
Variant type: single nucleotide variant.
Coding change: c.5522G>C on transcript NM_206933.4 (MANE Select); coding-DNA position 5522, G replaced by C.
Protein change: p.Gly1841Ala; replaces glycine 1841 with alanine.
Molecular consequence: missense variant.
Genome position (GRCh38, 1-based): chr1:216,078,139, C>G on the plus strand (G>C on the coding strand, the complement: USH2A is on the minus strand). VCF-style: chr1-216078139-C-G. GRCh37 (hg19) VCF-style: chr1-216251481-C-G.
Other names: short protein forms G1841A.
Identifiers: ClinVar variation 3339991 (VCV003339991.1).